The following is an entry in ClinVar:

NM_015102.5(NPHP4):c.3458G>A (p.Trp1153Ter)

Gene: NPHP4 (nephrocystin 4; minus strand). Cytogenetic location: 1p36.31.
Variant type: single nucleotide variant.
Coding change: c.3458G>A on transcript NM_015102.5 (MANE Select); coding-DNA position 3458, G replaced by A.
Protein change: p.Trp1153Ter; replaces tryptophan 1153 with a stop codon.
Molecular consequence: nonsense. On other transcripts: non-coding transcript variant (1).
Genome position (GRCh38, 1-based): chr1:5,867,754, C>T on the plus strand (G>A on the coding strand, the complement: NPHP4 is on the minus strand). VCF-style: chr1-5867754-C-T. GRCh37 (hg19) VCF-style: chr1-5927814-C-T.
Other names: c.1919G>A, p.Trp640Ter (NM_001291593.2); c.1922G>A, p.Trp641Ter (NM_001291594.2); short protein forms W640*, W1153*, W641*.
Identifiers: ClinVar variation 1382268 (VCV001382268.6), dbSNP rs2100466824, ClinGen allele CA338051968.

ClinVar aggregate classification (germline): Pathogenic/Likely pathogenic. Review status: criteria provided, multiple submitters, no conflicts (2 of 4 stars). 2 submissions from 2 submitters: Pathogenic (1); Likely pathogenic (1). Last evaluated 2023-02-14.

Conditions:
Nephronophthisis 4 (NPHP4). Also called: NEPHRONOPHTHISIS 4, JUVENILE. Identifiers: Orphanet 655, MedGen C1847013, MONDO:0011752, OMIM 606966.
Nephronophthisis. Also called: Juvenile Nephronophthisis. Identifiers: Orphanet 655, MedGen C0687120, MONDO:0019005, HP:0000090.

Submissions (2):

Neuberg Centre For Genomic Medicine, NCGM
Classification: Likely pathogenic for Nephronophthisis 4. Last evaluated: 2023-02-14. Review status: criteria provided, single submitter. Criteria: ACMG Guidelines, 2015. Collection method: clinical testing. Allele origin: germline. Inheritance: Autosomal recessive inheritance. Affected: yes.
Comment: The stop gain c.3458G>A (p.Trp1153Ter) variant in NPHP4 gene has been submitted to ClinVar as a Pathogenic, but no details are available for independent assessment. The p.Trp1153Ter variant is novel (not in any individuals) in gnomAD Exomes and is novel (not in any individuals) in 1000 Genomes. The nucleotide change c.3458G>A in NPHP4 is predicted as conserved by GERP++ and PhyloP across 100 vertebrates. This variant is predicted to cause loss of normal protein function through protein truncation. Loss of function variants have been previously reported to be disease causing. For these reasons, this variant has been classified as Likely Pathogenic.

Labcorp Genetics (formerly Invitae), Labcorp
Classification: Pathogenic for Nephronophthisis. Last evaluated: 2022-10-03. Review status: criteria provided, single submitter. Criteria: Invitae Variant Classification Sherloc (09022015). Collection method: clinical testing. Allele origin: germline.
Comment: This sequence change creates a premature translational stop signal (p.Trp1153*) in the NPHP4 gene. It is expected to result in an absent or disrupted protein product. Loss-of-function variants in NPHP4 are known to be pathogenic (PMID: 12205563, 23559409). For these reasons, this variant has been classified as Pathogenic. Algorithms developed to predict the effect of sequence changes on RNA splicing suggest that this variant may create or strengthen a splice site. ClinVar contains an entry for this variant (Variation ID: 1382268). This variant has not been reported in the literature in individuals affected with NPHP4-related conditions. This variant is not present in population databases (gnomAD no frequency).

Literature cited by the submitters: PubMed 12205563 (cited by Labcorp Genetics (formerly Invitae), Labcorp); PubMed 23559409 (cited by Labcorp Genetics (formerly Invitae), Labcorp).